The following is an entry in ClinVar:

NM_000751.3(CHRND):c.1151T>A (p.Ile384Asn)

Gene: CHRND (cholinergic receptor nicotinic delta subunit; plus strand). Cytogenetic location: 2q37.1.
Variant type: single nucleotide variant.
Coding change: c.1151T>A on transcript NM_000751.3 (MANE Select); coding-DNA position 1151, T replaced by A.
Protein change: p.Ile384Asn; replaces isoleucine 384 with asparagine.
Molecular consequence: missense variant.
Genome position (GRCh38, 1-based): chr2:232,534,034, T>A. VCF-style: chr2-232534034-T-A. GRCh37 (hg19) VCF-style: chr2-233398744-T-A.
Other names: c.1106T>A, p.Ile369Asn (NM_001256657.2); c.569T>A, p.Ile190Asn (NM_001311195.2); c.848T>A, p.Ile283Asn (NM_001311196.2); short protein forms I283N, I369N, I384N, I190N.
Identifiers: ClinVar variation 1910937 (VCV001910937.5), dbSNP rs753512039, ClinGen allele CA2168275.
Genomic context (GRCh38, chr2:232,534,034, plus strand): 5'-CAGCAGAGGATGGACCCAGCCCTGGGGCCCTGGTGCGGAGGAGCAGCTCCCTGGGATACA[T>A]CTCCAAGGCCGAGGAGTACTTCCTGCTCAAGTCCCGCAGTGACCTCATGTTCGAGAAGCA-3'
Protein context (NP_000742.1, residues 374-394): LVRRSSSLGY[Ile384Asn]SKAEEYFLLK

ClinVar aggregate classification (germline): Uncertain significance (1 of 4 stars; one submission).

Conditions:
Lethal multiple pterygium syndrome (LMPS). Identifiers: Orphanet 33108, MedGen C1854678, MONDO:0009668, OMIM 253290.

Allele frequency attached by ClinVar (database versions not stated): ExAC 0.00001; gnomAD exomes 0.00001.

Submission:

Labcorp Genetics (formerly Invitae), Labcorp
Classification: Uncertain significance for Lethal multiple pterygium syndrome. Last evaluated: 2022-07-26. Review status: criteria provided, single submitter. Criteria: Invitae Variant Classification Sherloc (09022015). Collection method: clinical testing. Allele origin: germline.
Comment: This variant has not been reported in the literature in individuals affected with CHRND-related conditions. This variant is present in population databases (rs753512039, gnomAD 0.003%). This sequence change replaces isoleucine, which is neutral and non-polar, with asparagine, which is neutral and polar, at codon 384 of the CHRND protein (p.Ile384Asn). Advanced modeling of protein sequence and biophysical properties (such as structural, functional, and spatial information, amino acid conservation, physicochemical variation, residue mobility, and thermodynamic stability) performed at Invitae indicates that this missense variant is not expected to disrupt CHRND protein function. In summary, the available evidence is currently insufficient to determine the role of this variant in disease. Therefore, it has been classified as a Variant of Uncertain Significance.